The following is an entry in ClinVar:

NM_001385641.1(SAMD11):c.1312C>T (p.His438Tyr)

Gene: SAMD11 (sterile alpha motif domain containing 11; plus strand). Cytogenetic location: 1p36.33.
Variant type: single nucleotide variant.
Coding change: c.1312C>T on transcript NM_001385641.1 (MANE Select); coding-DNA position 1312, C replaced by T.
Protein change: p.His438Tyr; replaces histidine 438 with tyrosine.
Molecular consequence: missense variant.
Genome position (GRCh38, 1-based): chr1:941,260, C>T. VCF-style: chr1-941260-C-T. GRCh37 (hg19) VCF-style: chr1-876640-C-T.
Other names: c.1315C>T, p.His439Tyr (NM_001385640.1); c.823C>T, p.His275Tyr (NM_152486.4); short protein forms H438Y, H275Y, H439Y.
Identifiers: ClinVar variation 1381806 (VCV001381806.8), dbSNP rs754946907, ClinGen allele CA502818.

ClinVar aggregate classification (germline): Uncertain significance (1 of 4 stars; one submission).

Allele frequency attached by ClinVar (database versions not stated): gnomAD exomes below 0.00001; TOPMed below 0.00001; ExAC 0.00002.
gnomAD v4.1: 2 of 1,600,782 alleles (0.00012%); highest among the groups gnomAD compares: Admixed American, 0.0034%; no homozygotes.

Submission:

Labcorp Genetics (formerly Invitae), Labcorp
Classification: Uncertain significance. Last evaluated: 2022-06-20. Review status: criteria provided, single submitter. Criteria: Invitae Variant Classification Sherloc (09022015). Collection method: clinical testing. Allele origin: germline.
Comment: In summary, the available evidence is currently insufficient to determine the role of this variant in disease. Therefore, it has been classified as a Variant of Uncertain Significance. Algorithms developed to predict the effect of missense changes on protein structure and function are either unavailable or do not agree on the potential impact of this missense change (SIFT: "Tolerated"; PolyPhen-2: "Possibly Damaging"; Align-GVGD: "Class C0"). This variant has not been reported in the literature in individuals affected with SAMD11-related conditions. This variant is present in population databases (rs754946907, gnomAD 0.003%). This sequence change replaces histidine, which is basic and polar, with tyrosine, which is neutral and polar, at codon 275 of the SAMD11 protein (p.His275Tyr).